The following is an entry in ClinVar:

NM_004385.5(VCAN):c.1523T>A (p.Ile508Asn)

Gene: VCAN (versican; plus strand). Cytogenetic location: 5q14.3.
Variant type: single nucleotide variant.
Coding change: c.1523T>A on transcript NM_004385.5 (MANE Select); coding-DNA position 1523, T replaced by A.
Protein change: p.Ile508Asn; replaces isoleucine 508 with asparagine.
Molecular consequence: missense variant. On other transcripts: intron variant (2).
Genome position (GRCh38, 1-based): chr5:83,519,829, T>A. VCF-style: chr5-83519829-T-A. GRCh37 (hg19) VCF-style: chr5-82815648-T-A.
Other names: c.1523T>A, p.Ile508Asn (NM_001164098.2); c.1042+7433T>A (NM_001164097.2, NM_001126336.3); short protein forms I508N.
Identifiers: ClinVar variation 354398 (VCV000354398.45), dbSNP rs143368552, ClinGen allele CA3332694.

ClinVar aggregate classification (germline): Benign/Likely benign. Review status: criteria provided, multiple submitters, no conflicts (2 of 4 stars). 7 submissions from 7 submitters: Benign (2); Likely benign (3). 2 of the submissions do not count toward it. Last evaluated 2026-06-01.

Conditions:
Wagner disease. Also called: Wagner syndrome; Wagner Vitreoretinal Degeneration (Wagner Synrdome); HYALOIDEORETINAL DEGENERATION OF WAGNER; WAGNER SYNDROME 1; WAGNER VITREORETINAL DEGENERATION; WAGNER VITREORETINOPATHY. Identifiers: Orphanet 898, MedGen C1840452, MONDO:0007740, OMIM 143200.
Vitreoretinopathy. Also called: Vitreoretinal degeneration. Identifiers: MedGen C0344290, MONDO:0020248, HP:0007773.

Allele frequency attached by ClinVar (database versions not stated): 1000 Genomes Project 30x 0.00125; 1000 Genomes Project 0.00140; gnomAD exomes 0.00257; gnomAD 0.00267 and 0.00271; TOPMed 0.00271; ExAC 0.00293; ESP Exome Variant Server 0.00331.
gnomAD v4.1: 5,439 of 1,614,130 alleles (0.34%); highest among the groups gnomAD compares: Middle Eastern, 0.43%; 14 homozygotes.

Submissions (7):

CeGaT Center for Human Genetics Tuebingen
Classification: Benign. Last evaluated: 2026-06-01. Review status: criteria provided, single submitter. Criteria: CeGaT Center For Human Genetics Tuebingen Variant Classification Criteria Version 2. Collection method: clinical testing. Allele origin: germline. Affected: yes. Observed: 5 variant alleles.
Comment: VCAN: BP4, BS1, BS2

Labcorp Genetics (formerly Invitae), Labcorp
Classification: Benign. Last evaluated: 2026-01-21. Review status: criteria provided, single submitter. Criteria: Invitae Variant Classification Sherloc (09022015). Collection method: clinical testing. Allele origin: germline.

Blueprint Genetics
Classification: Likely benign. Last evaluated: 2024-11-23. Review status: criteria provided, single submitter. Criteria: ACMG Guidelines, 2015. Collection method: clinical testing. Allele origin: germline.

Illumina Laboratory Services, Illumina
Classification: Likely benign for Vitreoretinopathy. Last evaluated: 2017-04-27. Review status: criteria provided, single submitter. Criteria: ICSL Variant Classification Criteria 13 December 2019. Collection method: clinical testing. Allele origin: germline.
Comment: This variant was observed as part of a predisposition screen in an ostensibly healthy population. A literature search was performed for the gene, cDNA change, and amino acid change (where applicable). No publications were found based on this search. Allele frequency data from public databases allowed determination this variant is unlikely to cause disease. Therefore, this variant is classified as likely benign.

Clinical Genetics DNA and cytogenetics Diagnostics Lab, Erasmus MC, Erasmus Medical Center
Classification: Likely benign for Wagner disease. Last evaluated: 2015-12-07. Review status: criteria provided, single submitter. Criteria: ACGS Guidelines, 2013. Collection method: clinical testing. Allele origin: germline. Affected: yes. Study: VKGL Data-share Consensus.

Genome Diagnostics Laboratory, Amsterdam University Medical Center
Classification: Benign for Wagner disease. Last evaluated: 2015-02-05. Review status: no assertion criteria provided. Criteria: ACGS Guidelines, 2013. Collection method: clinical testing. Allele origin: germline. Affected: yes. Study: VKGL Data-share Consensus. Not counted in ClinVar's aggregate classification.

Clinical Genetics, Academic Medical Center
Classification: Likely benign. Review status: no assertion criteria provided. Collection method: clinical testing. Allele origin: germline. Affected: yes. Study: VKGL Data-share Consensus. Not counted in ClinVar's aggregate classification.